The following is an entry in ClinVar:

ClinVar aggregate classification (germline): Likely benign. Review status: criteria provided, multiple submitters, no conflicts (2 of 4 stars). 3 submissions from 3 submitters: Likely benign (2). 1 of the submissions does not count toward it. Last evaluated 2025-12-15.

Conditions:
LARP7-related disorder. Also called: LARP7-related condition.

Allele frequency attached by ClinVar (database versions not stated): gnomAD 0.00019 and 0.00021; TOPMed 0.00019; ExAC 0.00023; gnomAD exomes 0.00029 and 0.00044; ESP Exome Variant Server 0.00034.
gnomAD v4.1: 667 of 1,608,396 alleles (0.041%); highest among the groups gnomAD compares: South Asian, 0.088%; no homozygotes.

Submissions (4):

Labcorp Genetics (formerly Invitae), Labcorp
Classification: Likely benign. Last evaluated: 2025-12-15. Review status: criteria provided, single submitter. Criteria: Invitae Variant Classification Sherloc (09022015). Collection method: clinical testing. Allele origin: germline.

CeGaT Center for Human Genetics Tuebingen
Classification: Likely benign. Last evaluated: 2023-03-01. Review status: criteria provided, single submitter. Criteria: CeGaT Center For Human Genetics Tuebingen Variant Classification Criteria Version 2. Collection method: clinical testing. Allele origin: germline. Affected: yes. Observed: 2 variant alleles.
Comment: LARP7: BP4, BP7

PreventionGenetics, part of Exact Sciences
Classification: Likely benign for LARP7-related condition. Last evaluated: 2019-04-15. Review status: no assertion criteria provided. Collection method: clinical testing. Allele origin: germline. Not counted in ClinVar's aggregate classification.
Comment: This variant is classified as likely benign based on ACMG/AMP sequence variant interpretation guidelines (Richards et al. 2015 PMID: 25741868, with internal and published modifications).

Dr. Peter K. Rogan Lab, Western University
No classification provided (evidence only). Condition: Ovarian serous cystadenocarcinoma. Review status: no classification provided. Collection method: in vitro. Allele origin: not applicable. Functional consequence: retained intron. Not counted in ClinVar's aggregate classification.

NM_016648.4(LARP7):c.141G>T (p.Gly47=)

Gene: LARP7 (La ribonucleoprotein 7, transcriptional regulator; plus strand). Cytogenetic location: 4q25.
Variant type: single nucleotide variant.
Coding change: c.141G>T on transcript NM_016648.4 (MANE Select); coding-DNA position 141, G replaced by T.
Protein change: p.Gly47=; no amino-acid change (glycine 47 retained).
Molecular consequence: synonymous variant. On other transcripts: intron variant (2).
Genome position (GRCh38, 1-based): chr4:112,644,810, G>T. VCF-style: chr4-112644810-G-T. GRCh37 (hg19) VCF-style: chr4-113565966-G-T.
Other names: c.162G>T (NM_001267039.1); c.141G>T, p.Gly47= (NM_001267039.4, NM_001370974.1, NM_001370975.1 and 6 more transcripts); c.-36+42G>T (NM_001370982.1, NM_001370981.1).
Identifiers: ClinVar variation 790788 (VCV000790788.34), dbSNP rs373448853, ClinGen allele CA3048937.
Genomic context (GRCh38, chr4:112,644,810, plus strand): 5'-ACGGTCACGAGTTAAACAGGTGCTTGCAGATATTGCTAAGCAAGTGGACTTCTGGTTTGG[G>T]GATGCAAATCTTCACAAGGATAGATTTCTTCGAGAACAGATAGAAAAATCTAGAGATGGA-3'
Protein context (NP_057732.2, residues 37-57): DIAKQVDFWF[Gly47=]DANLHKDRFL